The following is an entry in ClinVar:

NM_003873.7(NRP1):c.2637G>A (p.Leu879=)

Gene: NRP1 (neuropilin 1; minus strand). Cytogenetic location: 10p11.22.
Variant type: single nucleotide variant.
Coding change: c.2637G>A on transcript NM_003873.7 (MANE Select); coding-DNA position 2637, G replaced by A.
Protein change: p.Leu879=; no amino-acid change (leucine 879 retained).
Molecular consequence: synonymous variant. On other transcripts: non-coding transcript variant (1).
Genome position (GRCh38, 1-based): chr10:33,180,211, C>T on the plus strand (G>A on the coding strand, the complement: NRP1 is on the minus strand). VCF-style: chr10-33180211-C-T. GRCh37 (hg19) VCF-style: chr10-33469139-C-T.
Other names: c.2619G>A, p.Leu873= (NM_001244972.2); c.2616G>A, p.Leu872= (NM_001244973.2); c.2586G>A, p.Leu862= (NM_001330068.2).
Identifiers: ClinVar variation 4984599 (VCV004984599.1).

ClinVar aggregate classification (germline): Likely benign (1 of 4 stars; one submission).

Conditions:
NRP1-related disorder. Also called: NRP1-related condition.

gnomAD v4.1: 8 of 1,614,052 alleles (0.0005%); highest among the groups gnomAD compares: South Asian, 0.0066%; 1 homozygote.

Submission:

PreventionGenetics, part of Exact Sciences
Classification: Likely benign for NRP1-related condition. Last evaluated: 2025-07-14. Review status: criteria provided, single submitter. Criteria: ACMG Guidelines, 2015. Collection method: clinical testing. Allele origin: germline.
Comment: This variant is classified as likely benign based on ACMG/AMP sequence variant interpretation guidelines (Richards et al. 2015 PMID: 25741868, with internal and published modifications).